The following is an entry in ClinVar:

NM_025081.3(NYNRIN):c.5217C>T (p.Ala1739=)

Gene: NYNRIN (NYN domain and retroviral integrase containing; plus strand). Cytogenetic location: 14q12.
Variant type: single nucleotide variant.
Coding change: c.5217C>T on transcript NM_025081.3 (MANE Select); coding-DNA position 5217, C replaced by T.
Protein change: p.Ala1739=; no amino-acid change (alanine 1739 retained).
Molecular consequence: synonymous variant.
Genome position (GRCh38, 1-based): chr14:24,416,966, C>T. VCF-style: chr14-24416966-C-T. GRCh37 (hg19) VCF-style: chr14-24886172-C-T.
Identifiers: ClinVar variation 3618415 (VCV003618415.2).

ClinVar aggregate classification (germline): Uncertain significance (1 of 4 stars; one submission).

Submission:

Labcorp Genetics (formerly Invitae), Labcorp
Classification: Uncertain significance. Last evaluated: 2024-05-12. Review status: criteria provided, single submitter. Criteria: Invitae Variant Classification Sherloc (09022015). Collection method: clinical testing. Allele origin: germline.
Comment: This sequence change affects codon 1739 of the NYNRIN mRNA. It is a 'silent' change, meaning that it does not change the encoded amino acid sequence of the NYNRIN protein. This variant is not present in population databases (gnomAD no frequency). This variant has not been reported in the literature in individuals affected with NYNRIN-related conditions. Experimental studies and prediction algorithms are not available or were not evaluated, and the effect of this variant on mRNA splicing is currently unknown. In summary, the available evidence is currently insufficient to determine the role of this variant in disease. Therefore, it has been classified as a Variant of Uncertain Significance.